The following is an entry in ClinVar:

NM_002335.4(LRP5):c.2512C>T (p.Arg838Trp)

Gene: LRP5 (LDL receptor related protein 5; plus strand). Cytogenetic location: 11q13.2.
Variant type: single nucleotide variant.
Coding change: c.2512C>T on transcript NM_002335.4 (MANE Select); coding-DNA position 2512, C replaced by T.
Protein change: p.Arg838Trp; replaces arginine 838 with tryptophan.
Molecular consequence: missense variant.
Genome position (GRCh38, 1-based): chr11:68,413,697, C>T. VCF-style: chr11-68413697-C-T. GRCh37 (hg19) VCF-style: chr11-68181165-C-T.
Other names: c.769C>T, p.Arg257Trp (NM_001291902.2); short protein forms R257W, R838W.
Identifiers: ClinVar variation 1384995 (VCV001384995.8), dbSNP rs762593049, ClinGen allele CA6149672.

ClinVar aggregate classification (germline): Uncertain significance (1 of 4 stars; one submission).

Allele frequency attached by ClinVar (database versions not stated): ExAC 0.00001; gnomAD 0.00001; gnomAD exomes 0.00001; TOPMed 0.00002.
gnomAD v4.1: 17 of 1,613,536 alleles (0.0011%); highest among the groups gnomAD compares: South Asian, 0.011%; no homozygotes.

Submission:

Labcorp Genetics (formerly Invitae), Labcorp
Classification: Uncertain significance. Last evaluated: 2024-04-13. Review status: criteria provided, single submitter. Criteria: Invitae Variant Classification Sherloc (09022015). Collection method: clinical testing. Allele origin: germline.
Comment: This sequence change replaces arginine, which is basic and polar, with tryptophan, which is neutral and slightly polar, at codon 838 of the LRP5 protein (p.Arg838Trp). The frequency data for this variant in the population databases is considered unreliable, as metrics indicate poor data quality at this position in the gnomAD database. This missense change has been observed in individual(s) with autosomal dominant exudative vitreoretinopathy (PMID: 34860240). It has also been observed to segregate with disease in related individuals. ClinVar contains an entry for this variant (Variation ID: 1384995). Advanced modeling of protein sequence and biophysical properties (such as structural, functional, and spatial information, amino acid conservation, physicochemical variation, residue mobility, and thermodynamic stability) performed at Invitae indicates that this missense variant is expected to disrupt LRP5 protein function with a positive predictive value of 95%. In summary, the available evidence is currently insufficient to determine the role of this variant in disease. Therefore, it has been classified as a Variant of Uncertain Significance.

Literature cited by the submitters: PubMed 34860240.